The following is an entry in ClinVar:

NM_022124.6(CDH23):c.5200G>A (p.Val1734Met)

Gene: CDH23 (cadherin related 23; plus strand). Cytogenetic location: 10q22.1.
Variant type: single nucleotide variant.
Coding change: c.5200G>A on transcript NM_022124.6 (MANE Select); coding-DNA position 5200, G replaced by A.
Protein change: p.Val1734Met; replaces valine 1734 with methionine.
Molecular consequence: missense variant.
Genome position (GRCh38, 1-based): chr10:71,779,279, G>A. VCF-style: chr10-71779279-G-A. GRCh37 (hg19) VCF-style: chr10-73539036-G-A.
Other names: short protein forms V1734M.
Identifiers: ClinVar variation 45969 (VCV000045969.4), dbSNP rs397517335, ClinGen allele CA137469.
Genomic context (GRCh38, chr10:71,779,279, plus strand): 5'-CAAAGCTGGCTGGGGTGAGGCCTTGGCTAAGCTTTTCCACCATCTCAGGTGCTTGTGAAT[G>A]TGAATGACATCAACGACAATGTGCCTACCTTCCCCCGGGACTATGAGGGACCATTTGAAG-3'
Protein context (NP_071407.4, residues 1724-1744): LTSTTTVLVN[Val1734Met]NDINDNVPTF

ClinVar aggregate classification (germline): Likely benign (1 of 4 stars; one submission).

Allele frequency attached by ClinVar (database versions not stated): TOPMed 0.00001.
gnomAD v4.1: 1 of 1,614,044 alleles (0.000062%); highest among the groups gnomAD compares: Non-Finnish European, 0.000085%; no homozygotes.

Submission:

Laboratory for Molecular Medicine, Mass General Brigham Personalized Medicine
Classification: Likely benign. Last evaluated: 2010-12-06. Review status: criteria provided, single submitter. Criteria: LMM Criteria. Collection method: clinical testing. Allele origin: germline. Observed: 1 variant allele.
Comment: Val1734Met in exon 41 of CDH23: This variant has not been reported in the litera ture. Computational analyses (biochemical amino acid properties, homology, PolyP hen, SIFT, AlignGVGD) do not provide strong support for pathogenicity. In summary, this data suggests this varian t is more likely benign.